The following is an entry in ClinVar:

NM_138713.4(NFAT5):c.2207C>G (p.Ser736Cys)

Gene: NFAT5 (nuclear factor of activated T cells 5; plus strand). Cytogenetic location: 16q22.1.
Variant type: single nucleotide variant.
Coding change: c.2207C>G on transcript NM_138713.4 (MANE Select); coding-DNA position 2207, C replaced by G.
Protein change: p.Ser736Cys; replaces serine 736 with cysteine.
Molecular consequence: missense variant.
Genome position (GRCh38, 1-based): chr16:69,692,032, C>G. VCF-style: chr16-69692032-C-G. GRCh37 (hg19) VCF-style: chr16-69725935-C-G.
Other names: c.2204C>G, p.Ser735Cys (NM_001113178.3); c.1532C>G, p.Ser511Cys (NM_001367709.1); c.2153C>G, p.Ser718Cys (NM_006599.4); c.1925C>G, p.Ser642Cys (NM_138714.4, NM_173214.3, NM_173215.3); short protein forms S735C, S511C, S718C, S642C, S736C.
Identifiers: ClinVar variation 2149224 (VCV002149224.4), dbSNP rs772347684, ClinGen allele CA8135734.

ClinVar aggregate classification (germline): Uncertain significance (1 of 4 stars; one submission).

Conditions:
Immunodeficiency. Identifiers: MedGen C0021051, MONDO:0021094, HP:0002721.

Allele frequency attached by ClinVar (database versions not stated): gnomAD exomes below 0.00001; ExAC 0.00002.
gnomAD v4.1: 2 of 1,614,174 alleles (0.00012%); highest among the groups gnomAD compares: Non-Finnish European, 0.00017%; no homozygotes.

Submission:

Labcorp Genetics (formerly Invitae), Labcorp
Classification: Uncertain significance for Immunodeficiency. Last evaluated: 2022-09-24. Review status: criteria provided, single submitter. Criteria: Invitae Variant Classification Sherloc (09022015). Collection method: clinical testing. Allele origin: germline.
Comment: Algorithms developed to predict the effect of missense changes on protein structure and function are either unavailable or do not agree on the potential impact of this missense change (SIFT: "Deleterious"; PolyPhen-2: "Possibly Damaging"; Align-GVGD: "Class C15"). In summary, the available evidence is currently insufficient to determine the role of this variant in disease. Therefore, it has been classified as a Variant of Uncertain Significance. This variant has not been reported in the literature in individuals affected with NFAT5-related conditions. This sequence change replaces serine, which is neutral and polar, with cysteine, which is neutral and slightly polar, at codon 642 of the NFAT5 protein (p.Ser642Cys). This variant is present in population databases (rs772347684, gnomAD 0.002%).